The following is an entry in ClinVar:

ClinVar aggregate classification (germline): Pathogenic (1 of 4 stars; one submission).

Conditions:
Breast-ovarian cancer, familial, susceptibility to, 1 (BROVCA1). Also called: OVARIAN CANCER, SUSCEPTIBILITY TO; BRCA1 Hereditary Breast and Ovarian Cancer. Identifiers: Orphanet 145, MedGen C2676676, MONDO:0011450, OMIM 604370. Disease mechanism: loss of function.

Submission:

Dasa
Classification: Pathogenic for Breast-ovarian cancer, familial, susceptibility to, 1. Last evaluated: 2025-07-25. Review status: criteria provided, single submitter. Criteria: DASA Assertion Criteria. Collection method: clinical testing. Allele origin: germline.
Comment: NM_007294.4(BRCA1):c.726_727del (p.Ser242Argfs*2) is a frameshift variant in BRCA1 predicted to alter the reading frame and introduce a premature termination codon and is predicted to result in an absent or altered protein product. Loss of function is an established disease mechanism for BRCA1 (PMID: 32375709; PMID: 21989022; PMID: 11802209). The affected residue or protein region has prior evidence supporting clinical relevance. Also, this variant is absent from population databases. Based on the currently available evidence, this variant is classified as pathogenic.

Literature cited by the submitters: PubMed 32375709; PubMed 21989022; PubMed 11802209.

NM_007294.4(BRCA1):c.726_727del (p.Ser242fs)

Gene: BRCA1 (BRCA1 DNA repair associated; minus strand). Cytogenetic location: 17q21.31.
Variant type: Deletion.
Coding change: c.726_727del on transcript NM_007294.4 (MANE Select); coding-DNA positions 726 to 727, 2 bases deleted (TA; older notation c.726_727delTA).
Protein change: p.Ser242fs; shifts the reading frame from serine 242.
Molecular consequence: frameshift variant. On other transcripts: 5 prime UTR variant (2), intron variant (13).
Genome position (GRCh38, 1-based): chr17:43,094,804-43,094,805, TA deleted on the plus strand (TA on the coding strand, the reverse complement: BRCA1 is on the minus strand). VCF-style (leftmost placement, unchanged base first): chr17-43094803-TTA-T. GRCh37 (hg19) VCF-style: chr17-41246820-TTA-T.
Other names: c.462_463del, p.Ser154fs (NM_001407924.1, NM_001407925.1, NM_001407926.1 and 15 more transcripts); c.459_460del, p.Ser153fs (NM_001407930.1, NM_001407931.1, NM_001408503.1 and 5 more transcripts); c.585_586del, p.Ser195fs (NM_001407942.1, NM_001407944.1, NM_001407945.1 and 43 more transcripts); c.582_583del, p.Ser194fs (NM_001407943.1, NM_001407964.1, NM_001407744.1 and 26 more transcripts); c.393_394del, p.Ser131fs (NM_001407946.1, NM_001407947.1, NM_001407948.1 and 7 more transcripts); c.345_346del, p.Ser115fs (NM_001407960.1, NM_001407963.1, NM_001408510.1 and 1 more transcripts); c.342_343del, p.Ser114fs (NM_001407962.1); c.222_223del, p.Ser74fs (NM_001407965.1, NM_001408512.1); and 20 more; short protein forms S114fs, S115fs, S130fs, S131fs, S153fs, S154fs, S171fs, S172fs.
Identifiers: ClinVar variation 4882953 (VCV004882953.2).